The following is an entry in ClinVar:

NM_001111.5(ADAR):c.2762+6C>G

Genes: ADAR (adenosine deaminase RNA specific; minus strand), LOC126805874 (CDK7 strongly-dependent group 2 enhancer GRCh37_chr1:154561176-154562375; plus strand). Cytogenetic location: 1q21.3.
Variant type: single nucleotide variant.
Coding change: c.2762+6C>G on transcript NM_001111.5 (MANE Select); 6 bases into the intron after coding-DNA position 2762, C replaced by G.
Molecular consequence: intron variant.
Genome position (GRCh38, 1-based): chr1:154,589,363, G>C on the plus strand (C>G on the coding strand, the complement: ADAR is on the minus strand). VCF-style: chr1-154589363-G-C. GRCh37 (hg19) VCF-style: chr1-154561839-G-C.
Other names: c.1877+6C>G (NM_001365046.1, NM_001025107.3, NM_001365048.1 and 2 more transcripts); c.2789+6C>G (NM_001365045.1); c.1799+6C>G (NM_001365049.1); c.2627+6C>G (NM_015841.4); c.2684+6C>G (NM_015840.4).
Identifiers: ClinVar variation 1384982 (VCV001384982.6), dbSNP rs371450928, ClinGen allele CA2573130553.

ClinVar aggregate classification (germline): Uncertain significance (1 of 4 stars; one submission).

Conditions:
Aicardi-Goutieres syndrome 6 (AGS6). Identifiers: Orphanet 51, MedGen C3539013, MONDO:0014007, OMIM 615010.
Symmetrical dyschromatosis of extremities (DSH). Also called: RETICULATE ACROPIGMENTATION OF DOHI; SYMMETRIC DYSCHROMATOSIS OF THE EXTREMITIES; DYSCHROMATOSIS SYMMETRICA HEREDITARIA 1; Dyschromatosis symmetrica hereditaria. Identifiers: Orphanet 41, MedGen C0406775, MONDO:0007483, OMIM 127400.

gnomAD v4.1: 1 of 1,613,080 alleles (0.000062%); no homozygotes.

Submission:

Labcorp Genetics (formerly Invitae), Labcorp
Classification: Uncertain significance for Aicardi-Goutieres syndrome 6; Symmetrical dyschromatosis of extremities. Last evaluated: 2024-07-20. Review status: criteria provided, single submitter. Criteria: Invitae Variant Classification Sherloc (09022015). Collection method: clinical testing. Allele origin: germline.
Comment: This sequence change falls in intron 9 of the ADAR gene. It does not directly change the encoded amino acid sequence of the ADAR protein. It affects a nucleotide within the consensus splice site. This variant is not present in population databases (gnomAD no frequency). This variant has not been reported in the literature in individuals affected with ADAR-related conditions. ClinVar contains an entry for this variant (Variation ID: 1384982). Variants that disrupt the consensus splice site are a relatively common cause of aberrant splicing (PMID: 17576681, 9536098). Algorithms developed to predict the effect of sequence changes on RNA splicing suggest that this variant is not likely to affect RNA splicing. In summary, the available evidence is currently insufficient to determine the role of this variant in disease. Therefore, it has been classified as a Variant of Uncertain Significance.

Literature cited by the submitters: PubMed 17576681; PubMed 9536098.